The following is an entry in ClinVar:

ClinVar aggregate classification (germline): Uncertain significance (1 of 4 stars; one submission).

Conditions:
RYR1-related disorder. Also called: RYR1-related condition; RYR1-related disorders. Identifiers: MedGen CN239331.

gnomAD v4.1: 1 of 1,614,142 alleles (0.000062%); highest among the groups gnomAD compares: Non-Finnish European, 0.000085%; no homozygotes.

Submission:

Labcorp Genetics (formerly Invitae), Labcorp
Classification: Uncertain significance for RYR1-related disorder. Last evaluated: 2023-04-27. Review status: criteria provided, single submitter. Criteria: Invitae Variant Classification Sherloc (09022015). Collection method: clinical testing. Allele origin: germline.
Comment: In summary, the available evidence is currently insufficient to determine the role of this variant in disease. Therefore, it has been classified as a Variant of Uncertain Significance. Advanced modeling of protein sequence and biophysical properties (such as structural, functional, and spatial information, amino acid conservation, physicochemical variation, residue mobility, and thermodynamic stability) has been performed at Invitae for this missense variant, however the output from this modeling did not meet the statistical confidence thresholds required to predict the impact of this variant on RYR1 protein function. ClinVar contains an entry for this variant (Variation ID: 1360257). This variant has not been reported in the literature in individuals affected with RYR1-related conditions. This variant is not present in population databases (gnomAD no frequency). This sequence change replaces proline, which is neutral and non-polar, with glutamine, which is neutral and polar, at codon 1232 of the RYR1 protein (p.Pro1232Gln).

NM_000540.3(RYR1):c.3695C>A (p.Pro1232Gln)

Gene: RYR1 (ryanodine receptor 1; plus strand). Cytogenetic location: 19q13.2.
Variant type: single nucleotide variant.
Coding change: c.3695C>A on transcript NM_000540.3 (MANE Select); coding-DNA position 3695, C replaced by A.
Protein change: p.Pro1232Gln; replaces proline 1232 with glutamine.
Molecular consequence: missense variant.
Genome position (GRCh38, 1-based): chr19:38,469,443, C>A. VCF-style: chr19-38469443-C-A. GRCh37 (hg19) VCF-style: chr19-38960083-C-A.
Other names: c.3695C>A, p.Pro1232Gln (NM_001042723.2); short protein forms P1232Q.
Identifiers: ClinVar variation 1360257 (VCV001360257.6), dbSNP rs1363931971, ClinGen allele CA405639653.
Genomic context (GRCh38, chr19:38,469,443, plus strand): 5'-TCTTTGCCATCTGTGGCCTCCAGGAAGGCTTCGAGCCATTTGCCATCAACATGCAGCGCC[C>A]AGTCACCACCTGGTTCAGCAAAGGCCTGCCCCAGTTTGAGCCAGTGCCCCTTGAACACCC-3'
Protein context (NP_000531.2, residues 1222-1242): FEPFAINMQR[Pro1232Gln]VTTWFSKGLP